The following is an entry in ClinVar:

ClinVar aggregate classification (germline): Uncertain significance (1 of 4 stars; one submission).

Conditions:
Epidermolysis bullosa simplex with nail dystrophy (EBS5D). Identifiers: MedGen C4225309, MONDO:0014661, OMIM 616487.
Epidermolysis bullosa simplex, Ogna type (EBS5A). Also called: Pidermolysis bullosa simplex 5A, Ogna type; EPIDERMOLYSIS BULLOSA SIMPLEX 5A, OGNA TYPE. Identifiers: Orphanet 79401, MedGen C0432317, MONDO:0007555, OMIM 131950.
Epidermolysis bullosa simplex 5B, with muscular dystrophy (EBS5B). Also called: Epidermolysis bullosa simplex with muscular dystrophy; EPIDERMOLYSIS BULLOSA SIMPLEX AND LIMB-GIRDLE MUSCULAR DYSTROPHY. Identifiers: Orphanet 257, MedGen C2931072, MONDO:0009181, OMIM 226670.
Autosomal recessive limb-girdle muscular dystrophy type 2Q (LGMDR17). Also called: MUSCULAR DYSTROPHY, LIMB-GIRDLE, AUTOSOMAL RECESSIVE 17. Identifiers: Orphanet 254361, MedGen C3150989, MONDO:0013390, OMIM 613723.
Epidermolysis bullosa simplex 5C, with pyloric atresia (EBS5C). Also called: PLEC-Related Epidermolysis Bullosa with Pyloric Atresia; Epidermolysis bullosa simplex with pyloric atresia; PLEC1-Related Epidermolysis Bullosa with Pyloric Atresia. Identifiers: Orphanet 158684, MedGen C2677349, MONDO:0012807, OMIM 612138.

gnomAD v4.1: 10 of 1,545,018 alleles (0.00065%); highest among the groups gnomAD compares: Non-Finnish European, 0.00087%; no homozygotes.

Submission:

Labcorp Genetics (formerly Invitae), Labcorp
Classification: Uncertain significance for Autosomal recessive limb-girdle muscular dystrophy type 2Q; Epidermolysis bullosa simplex, Ogna type; Epidermolysis bullosa simplex with nail dystrophy; Epidermolysis bullosa simplex 5C, with pyloric atresia; Epidermolysis bullosa simplex 5B, with muscular dystrophy. Last evaluated: 2025-04-23. Review status: criteria provided, single submitter. Criteria: Invitae Variant Classification Sherloc (09022015). Collection method: clinical testing. Allele origin: germline.
Comment: This sequence change replaces tyrosine, which is neutral and polar, with phenylalanine, which is neutral and non-polar, at codon 4549 of the PLEC protein (p.Tyr4549Phe). This variant is not present in population databases (gnomAD no frequency). This variant has not been reported in the literature in individuals affected with PLEC-related conditions. Invitae Evidence Modeling of protein sequence and biophysical properties (such as structural, functional, and spatial information, amino acid conservation, physicochemical variation, residue mobility, and thermodynamic stability) indicates that this missense variant is not expected to disrupt PLEC protein function with a negative predictive value of 80%. In summary, the available evidence is currently insufficient to determine the role of this variant in disease. Therefore, it has been classified as a Variant of Uncertain Significance.

NM_201384.3(PLEC):c.13565A>T (p.Tyr4522Phe)

Gene: PLEC (plectin; minus strand). Cytogenetic location: 8q24.3.
Variant type: single nucleotide variant.
Coding change: c.13565A>T on transcript NM_201384.3 (MANE Select); coding-DNA position 13565, A replaced by T.
Protein change: p.Tyr4522Phe; replaces tyrosine 4522 with phenylalanine.
Molecular consequence: missense variant.
Genome position (GRCh38, 1-based): chr8:143,916,256, T>A on the plus strand (A>T on the coding strand, the complement: PLEC is on the minus strand). VCF-style: chr8-143916256-T-A. GRCh37 (hg19) VCF-style: chr8-144990424-T-A.
Other names: c.13646A>T, p.Tyr4549Phe (NM_000445.5); c.10265A>T, p.Tyr3422Phe (NM_001410941.1); c.13523A>T, p.Tyr4508Phe (NM_201378.4); c.13499A>T, p.Tyr4500Phe (NM_201379.3); c.13976A>T, p.Tyr4659Phe (NM_201380.4); c.13469A>T, p.Tyr4490Phe (NM_201381.3); c.13565A>T, p.Tyr4522Phe (NM_201382.4); c.13577A>T, p.Tyr4526Phe (NM_201383.3); short protein forms Y3422F, Y4508F, Y4522F, Y4500F, Y4526F, Y4490F, Y4549F, Y4659F.
Identifiers: ClinVar variation 4783314 (VCV004783314.1).